The following is an entry in ClinVar:

NM_033360.4(KRAS):c.93A>G (p.Glu31=)

Gene: KRAS (KRas proto-oncogene, GTPase; minus strand). Cytogenetic location: 12p12.1.
Variant type: single nucleotide variant.
Coding change: c.93A>G on transcript NM_033360.4 (MANE Plus Clinical); coding-DNA position 93, A replaced by G.
Protein change: p.Glu31=; no amino-acid change (glutamic acid 31 retained).
Molecular consequence: synonymous variant.
Genome position (GRCh38, 1-based): chr12:25,245,292, T>C on the plus strand (A>G on the coding strand, the complement: KRAS is on the minus strand). VCF-style: chr12-25245292-T-C. GRCh37 (hg19) VCF-style: chr12-25398226-T-C.
Other names: c.93A>G, p.Glu31= (LRG_344t2, LRG_344t1, NM_001369786.1 and 2 more transcripts); c.93A>G (NM_004985.4).
Identifiers: ClinVar variation 195234 (VCV000195234.32), dbSNP rs377354475, ClinGen allele CA241566.
Genomic context (GRCh38, chr12:25,245,292, plus strand): 5'-ATGGTCCTGCACCAGTAATATGCATATTAAAACAAGATTTACCTCTATTGTTGGATCATA[T>C]TCGTCCACAAAATGATTCTGAATTAGCTGTATCGTCAAGGCACTCTTGCCTACGCCACCA-3'
Protein context (NP_203524.1, residues 21-41): IQLIQNHFVD[Glu31=]YDPTIEDSYR

ClinVar aggregate classification (germline): Conflicting classifications of pathogenicity. Review status: criteria provided, conflicting classifications (1 of 4 stars). 7 submissions from 7 submitters: Uncertain significance (1); Likely benign (5). 1 of the submissions does not count toward it. Last evaluated 2026-01-19.

Conditions:
KRAS-related disorder. Also called: KRAS-related condition; KRAS-related disorders.
Cardiovascular phenotype. Identifiers: MedGen CN230736.
RASopathy. Also called: rasopathies; Noonan spectrum disorder. Identifiers: Orphanet 536391, MedGen C5555857, MONDO:0021060.

Allele frequency attached by ClinVar (database versions not stated): gnomAD exomes 0.00001 and 0.00008; gnomAD 0.00003 and 0.00004; TOPMed 0.00003; ExAC 0.00005; ESP Exome Variant Server 0.00008.
gnomAD v4.1: 116 of 1,610,272 alleles (0.0072%); highest among the groups gnomAD compares: Non-Finnish European, 0.0093%; no homozygotes.

Submissions (8):

Labcorp Genetics (formerly Invitae), Labcorp
Classification: Likely benign for RASopathy. Last evaluated: 2026-01-19. Review status: criteria provided, single submitter. Criteria: Invitae Variant Classification Sherloc (09022015). Collection method: clinical testing. Allele origin: germline.

CeGaT Center for Human Genetics Tuebingen
Classification: Likely benign. Last evaluated: 2025-01-01. Review status: criteria provided, single submitter. Criteria: CeGaT Center For Human Genetics Tuebingen Variant Classification Criteria Version 2. Collection method: clinical testing. Allele origin: germline. Affected: yes. Observed: 1 variant allele.
Comment: KRAS: BP4, BP7

Blueprint Genetics
Classification: Likely benign. Last evaluated: 2022-10-17. Review status: criteria provided, single submitter. Criteria: ACMG Guidelines, 2015. Collection method: clinical testing. Allele origin: germline.

Ambry Genetics
Classification: Likely benign for Cardiovascular phenotype. Last evaluated: 2022-08-27. Review status: criteria provided, single submitter. Criteria: Ambry Variant Classification Scheme 2023. Collection method: clinical testing. Allele origin: germline.

GeneDx
Classification: Likely benign. Last evaluated: 2020-02-06. Review status: criteria provided, single submitter. Criteria: GeneDx Variant Classification Process June 2021. Collection method: clinical testing. Allele origin: germline. Affected: yes.

Eurofins Ntd Llc (ga)
Classification: Uncertain significance. Last evaluated: 2015-05-18. Review status: criteria provided, single submitter. Criteria: EGL Classification Definitions 2015. Collection method: clinical testing. Allele origin: germline. Observed: 1 variant allele, 1 heterozygote.

PreventionGenetics, part of Exact Sciences
Classification: Likely benign for KRAS-related condition. Last evaluated: 2019-06-10. Review status: no assertion criteria provided. Collection method: clinical testing. Allele origin: germline. Not counted in ClinVar's aggregate classification.
Comment: This variant is classified as likely benign based on ACMG/AMP sequence variant interpretation guidelines (Richards et al. 2015 PMID: 25741868, with internal and published modifications).

Dr. Peter K. Rogan Lab, Western University
No classification provided (evidence only). Condition: Lung cancer. Review status: no classification provided. Collection method: in vitro. Allele origin: not applicable. Functional consequence: retained intron. Not counted in ClinVar's aggregate classification.